The following is an entry in ClinVar:

NM_001368397.1(FRMPD4):c.437C>T (p.Ser146Leu)

Gene: FRMPD4 (FERM and PDZ domain containing 4; plus strand). Cytogenetic location: Xp22.2.
Variant type: single nucleotide variant.
Coding change: c.437C>T on transcript NM_001368397.1 (MANE Select); coding-DNA position 437, C replaced by T.
Protein change: p.Ser146Leu; replaces serine 146 with leucine.
Molecular consequence: missense variant.
Genome position (GRCh38, 1-based): chrX:12,674,877, C>T. VCF-style: chrX-12674877-C-T. GRCh37 (hg19) VCF-style: chrX-12692996-C-T.
Other names: c.548C>T, p.Ser183Leu (NM_001368395.3, NM_001368398.3); c.437C>T, p.Ser146Leu (NM_001368396.3, NM_014728.3); c.428C>T, p.Ser143Leu (NM_001368399.3); c.317C>T, p.Ser106Leu (NM_001368400.3); c.413C>T, p.Ser138Leu (NM_001368401.1, NM_001368402.3); short protein forms S146L, S183L, S138L, S106L, S143L.
Identifiers: ClinVar variation 2258115 (VCV002258115.3), dbSNP rs2059881267, ClinGen allele CA412007091.

ClinVar aggregate classification (germline): Uncertain significance. Review status: criteria provided, single submitter (1 of 4 stars). 2 submissions from 2 submitters: Uncertain significance (1). 1 of the submissions does not count toward it. Last evaluated 2021-11-16.

Conditions:
FRMPD4-related disorder. Also called: FRMPD4-related condition.
Inborn genetic diseases. Identifiers: MedGen C0950123, MeSH D030342.

Allele frequency attached by ClinVar (database versions not stated): gnomAD exomes below 0.00001; gnomAD 0.00004; TOPMed 0.00006.
gnomAD v4.1: 8 of 1,165,238 alleles (0.00069%); highest among the groups gnomAD compares: Admixed American, 0.0044%; no homozygotes.

Submissions (2):

Ambry Genetics
Classification: Uncertain significance for Inborn genetic diseases. Last evaluated: 2021-11-16. Review status: criteria provided, single submitter. Criteria: Ambry Variant Classification Scheme 2023. Collection method: clinical testing. Allele origin: germline.
Comment: The c.437C>T (p.S146L) alteration is located in exon 5 (coding exon 5) of the FRMPD4 gene. This alteration results from a C to T substitution at nucleotide position 437, causing the serine (S) at amino acid position 146 to be replaced by a leucine (L). This variant was not reported in population-based cohorts in the Genome Aggregation Database (gnomAD). This amino acid position is highly conserved in available vertebrate species. The in silico prediction for this alteration is inconclusive. Based on insufficient or conflicting evidence, the clinical significance of this alteration remains unclear.

PreventionGenetics, part of Exact Sciences
Classification: Uncertain significance for FRMPD4-related condition. Last evaluated: 2024-08-09. Review status: no assertion criteria provided. Collection method: clinical testing. Allele origin: germline. Not counted in ClinVar's aggregate classification.
Comment: The FRMPD4 c.437C>T variant is predicted to result in the amino acid substitution p.Ser146Leu. This variant has been reported as a variant of uncertain significance in an individual with X-linked intellectual disability (Maron et al 2023. PubMed ID: 37432431). This variant has not been reported in a large population database, indicating this variant is rare. At this time, the clinical significance of this variant is uncertain due to the absence of conclusive functional and genetic evidence.